The following is an entry in ClinVar:

ClinVar aggregate classification (germline): Uncertain significance (1 of 4 stars; one submission).

Submission:

Ambry Genetics
Classification: Uncertain significance. Last evaluated: 2022-10-08. Review status: criteria provided, single submitter. Criteria: Ambry Variant Classification Scheme 2023. Collection method: clinical testing. Allele origin: germline.
Comment: The p.T1235I variant (also known as c.3704C>T), located in coding exon 17 of the NPAT gene, results from a C to T substitution at nucleotide position 3704. The threonine at codon 1235 is replaced by isoleucine, an amino acid with similar properties. This amino acid position is conserved. In addition, this alteration is predicted to be tolerated by in silico analysis. Since supporting evidence is limited at this time, the clinical significance of this alteration remains unclear.

NM_002519.3(NPAT):c.3704C>T (p.Thr1235Ile)

Gene: NPAT (nuclear protein, coactivator of histone transcription; minus strand). Cytogenetic location: 11q22.3.
Variant type: single nucleotide variant.
Coding change: c.3704C>T on transcript NM_002519.3 (MANE Select); coding-DNA position 3704, C replaced by T.
Protein change: p.Thr1235Ile; replaces threonine 1235 with isoleucine.
Molecular consequence: missense variant.
Genome position (GRCh38, 1-based): chr11:108,161,382, G>A on the plus strand (C>T on the coding strand, the complement: NPAT is on the minus strand). VCF-style: chr11-108161382-G-A. GRCh37 (hg19) VCF-style: chr11-108032109-G-A.
Other names: c.3725C>T, p.Thr1242Ile (NM_001321307.1); short protein forms T1235I, T1242I.
Identifiers: ClinVar variation 1734130 (VCV001734130.2), dbSNP rs2496694975, ClinGen allele CA382510229.